The following is an entry in ClinVar:

NM_020247.5(COQ8A):c.445C>T (p.Pro149Ser)

Gene: COQ8A (coenzyme Q8A; plus strand). Cytogenetic location: 1q42.13.
Variant type: single nucleotide variant.
Coding change: c.445C>T on transcript NM_020247.5 (MANE Select); coding-DNA position 445, C replaced by T.
Protein change: p.Pro149Ser; replaces proline 149 with serine.
Molecular consequence: missense variant.
Genome position (GRCh38, 1-based): chr1:226,965,267, C>T. VCF-style: chr1-226965267-C-T. GRCh37 (hg19) VCF-style: chr1-227152968-C-T.
Other names: p.P149S:CCC>TCC; short protein forms P149S.
Identifiers: ClinVar variation 214029 (VCV000214029.1), dbSNP rs863223882, ClinGen allele CA320750.
Genomic context (GRCh38, chr1:226,965,267, plus strand): 5'-GGGTTCCCCGGCCAGGCCTCCTCCCCTCTGGGCAGGGCCAACGGGAGGCTCTTTGCAAAC[C>T]CCAGAGACTCATTCTCTGCCATGGGCTTTCAGCGAAGGTTCTTCCACCAGGACCAATCCC-3'
Protein context (NP_064632.2, residues 139-159): GRANGRLFAN[Pro149Ser]RDSFSAMGFQ

ClinVar aggregate classification (germline): Likely benign (1 of 4 stars; one submission).

Allele frequency attached by ClinVar (database versions not stated): gnomAD 0.00001; TOPMed 0.00001.
gnomAD v4.1: 2 of 1,613,904 alleles (0.00012%); highest among the groups gnomAD compares: Admixed American, 0.0017%; no homozygotes.

Submission:

GeneDx
Classification: Likely benign. Last evaluated: 2014-09-02. Review status: criteria provided, single submitter. Criteria: GeneDx Variant Classification (06012015). Collection method: clinical testing. Allele origin: germline. Affected: yes.
Comment: This variant is considered likely benign or benign based on one or more of the following criteria: it is a conservative change, it occurs at a poorly conserved position in the protein, it is predicted to be benign by multiple in silico algorithms, and/or has population frequency not consistent with disease.